The following is an entry in ClinVar:

NM_001458.5(FLNC):c.6531C>T (p.Thr2177=)

Genes: FLNC (filamin C; plus strand), FLNC-AS1 (FLNC antisense RNA 1; minus strand). Cytogenetic location: 7q32.1.
Variant type: single nucleotide variant.
Coding change: c.6531C>T on transcript NM_001458.5 (MANE Select); coding-DNA position 6531, C replaced by T.
Protein change: p.Thr2177=; no amino-acid change (threonine 2177 retained).
Molecular consequence: synonymous variant.
Genome position (GRCh38, 1-based): chr7:128,854,020, C>T. VCF-style: chr7-128854020-C-T. GRCh37 (hg19) VCF-style: chr7-128494074-C-T.
Other names: c.6432C>T, p.Thr2144= (NM_001127487.2).
Identifiers: ClinVar variation 2935978 (VCV002935978.4), dbSNP rs1808939202, ClinGen allele CA457849718.

ClinVar aggregate classification (germline): Conflicting classifications of pathogenicity. Review status: criteria provided, conflicting classifications (1 of 4 stars). 2 submissions from 2 submitters: Uncertain significance (1); Likely benign (1). Last evaluated 2025-04-09.

Conditions:
Myofibrillar myopathy 5. Also called: Filaminopathy (type); FILAMINOPATHY, AUTOSOMAL DOMINANT. Identifiers: Orphanet 171445, MedGen C1836050, MONDO:0012289, OMIM 609524.
Distal myopathy with posterior leg and anterior hand involvement. Also called: WILLIAMS DISTAL MYOPATHY. Identifiers: Orphanet 63273, MedGen C3279722, MONDO:0013550, OMIM 614065.
Hypertrophic cardiomyopathy 26. Also called: Cardiomyopathy, familial hypertrophic, 26. Identifiers: Orphanet 75249, MedGen C4310749, MONDO:0014883, OMIM 617047.

Allele frequency attached by ClinVar (database versions not stated): gnomAD exomes below 0.00001; TOPMed below 0.00001; gnomAD 0.00001.

Submissions (2):

Molecular Diagnostic Laboratory for Inherited Cardiovascular Disease, Montreal Heart Institute
Classification: Likely benign. Last evaluated: 2025-04-09. Review status: criteria provided, single submitter. Criteria: ACMG Guidelines, 2015. Collection method: clinical testing. Allele origin: germline. Affected: no.

Labcorp Genetics (formerly Invitae), Labcorp
Classification: Uncertain significance for Distal myopathy with posterior leg and anterior hand involvement; Myofibrillar myopathy 5; Hypertrophic cardiomyopathy 26. Last evaluated: 2023-08-28. Review status: criteria provided, single submitter. Criteria: Invitae Variant Classification Sherloc (09022015). Collection method: clinical testing. Allele origin: germline.
Comment: In summary, the available evidence is currently insufficient to determine the role of this variant in disease. Therefore, it has been classified as a Variant of Uncertain Significance. Algorithms developed to predict the effect of sequence changes on RNA splicing suggest that this variant may create or strengthen a splice site. This variant has not been reported in the literature in individuals affected with FLNC-related conditions. This variant is not present in population databases (gnomAD no frequency). This sequence change affects codon 2177 of the FLNC mRNA. It is a 'silent' change, meaning that it does not change the encoded amino acid sequence of the FLNC protein.